The following is an entry in ClinVar:

NM_001128178.3(NPHP1):c.86C>T (p.Ser29Phe)

Gene: NPHP1 (nephrocystin 1; minus strand). Cytogenetic location: 2q13.
Variant type: single nucleotide variant.
Coding change: c.86C>T on transcript NM_001128178.3 (MANE Select); coding-DNA position 86, C replaced by T.
Protein change: p.Ser29Phe; replaces serine 29 with phenylalanine.
Molecular consequence: missense variant.
Genome position (GRCh38, 1-based): chr2:110,201,478, G>A on the plus strand (C>T on the coding strand, the complement: NPHP1 is on the minus strand). VCF-style: chr2-110201478-G-A. GRCh37 (hg19) VCF-style: chr2-110959055-G-A.
Other names: c.86C>T, p.Ser29Phe (NM_000272.5, NM_001128179.3, NM_001374256.1 and 2 more transcripts); short protein forms S29F.
Identifiers: ClinVar variation 3391542 (VCV003391542.3).
Genomic context (GRCh38, chr2:110,201,478, plus strand): 5'-TACCTTTGATAAATATGTTGTCTTTTATTGGGTTCTAGAGCTTCTTTCAGTTGGCTCTCA[G>A]AAAGCAAACTATCAACCTATGGAGACCATTTAAAATATCACATTATTAAATACCATATCG-3'
Protein context (NP_001121650.1, residues 19-39): ELKQQVDSLL[Ser29Phe]ESQLKEALEP

ClinVar aggregate classification (germline): Uncertain significance. Review status: criteria provided, multiple submitters, no conflicts (2 of 4 stars). 3 submissions from 3 submitters: Uncertain significance (3). Last evaluated 2026-08-03.

Conditions:
NPHP1-related disorder. Also called: NPHP1-related disorders; NPHP1-related condition.

gnomAD v4.1: 49 of 1,609,518 alleles (0.003%); highest among the groups gnomAD compares: Non-Finnish European, 0.0015%; no homozygotes.

Submissions (3):

PreventionGenetics, part of Exact Sciences
Classification: Uncertain significance for NPHP1-related condition. Last evaluated: 2026-08-03. Review status: criteria provided, single submitter. Criteria: ACMG Guidelines, 2015. Collection method: clinical testing. Allele origin: germline.
Comment: The NPHP1 c.86C>T variant is predicted to result in the amino acid substitution p.Ser29Phe. To our knowledge, this variant has not been reported in the literature. This variant is reported in 0.024% of alleles in individuals of European (Finnish) descent in gnomAD. At this time, the clinical significance of this variant is uncertain due to the absence of conclusive functional and genetic evidence.

GeneDx
Classification: Uncertain significance. Last evaluated: 2024-06-21. Review status: criteria provided, single submitter. Criteria: GeneDx Variant Classification Process June 2021. Collection method: clinical testing. Allele origin: germline. Affected: yes.
Comment: In silico analysis supports that this missense variant has a deleterious effect on protein structure/function; Has not been previously published as pathogenic or benign to our knowledge

Blueprint Genetics
Classification: Uncertain significance. Last evaluated: 2024-04-23. Review status: criteria provided, single submitter. Criteria: ACMG Guidelines, 2015. Collection method: clinical testing. Allele origin: germline.